The following is an entry in ClinVar:

NM_000257.4(MYH7):c.2922+5G>A

Gene: MYH7 (myosin heavy chain 7; minus strand). Cytogenetic location: 14q11.2.
Variant type: single nucleotide variant.
Coding change: c.2922+5G>A on transcript NM_000257.4 (MANE Select); 5 bases into the intron after coding-DNA position 2922, G replaced by A.
Molecular consequence: intron variant.
Genome position (GRCh38, 1-based): chr14:23,423,902, C>T on the plus strand (G>A on the coding strand, the complement: MYH7 is on the minus strand). VCF-style: chr14-23423902-C-T. GRCh37 (hg19) VCF-style: chr14-23893111-C-T.
Other names: c.2922+5G>A (NM_001407004.1).
Identifiers: ClinVar variation 3074588 (VCV003074588.1), dbSNP rs1892584713, ClinGen allele CA2800863473.
Genomic context (GRCh38, chr14:23,423,902, plus strand): 5'-CAAGGTCAGTATGGTCTGAGAGTCCTGATGAGACCCGGGCTGGAGCCAAAGGGAGCTGCC[C>T]TTACCTTGTTCTCTGTTGCGTGTTTCTCCTTCTCCACTTTGGCCAGTGTCAGCTCCAGAT-3'

ClinVar aggregate classification (germline): Uncertain significance (1 of 4 stars; one submission).

Conditions:
Cardiomyopathy (CMYO). Also called: Cardiomyopathies. Identifiers: Orphanet 167848, MedGen C0878544, MONDO:0004994, HP:0001638. Inheritance: Various modes of inheritance.

Submission:

All of Us Research Program, National Institutes of Health
Classification: Uncertain significance for Cardiomyopathy. Last evaluated: 2023-11-20. Review status: criteria provided, single submitter. Criteria: ACMG Guidelines, 2015. Collection method: clinical testing. Allele origin: germline. Inheritance: Autosomal dominant inheritance. Observed: 1 variant allele, 1 heterozygote.
Comment: This variant causes a G to A nucleotide substitution at the +5 position of intron 23 of the MYH7 gene. To our knowledge, RNA studies have not been reported for this variant. This variant has not been reported in individuals affected with MYH7-related disorders in the literature. This variant has not been identified in the general population by the Genome Aggregation Database (gnomAD). The available evidence is insufficient to determine the role of this variant in disease conclusively. Therefore, this variant is classified as a Variant of Uncertain Significance.

This study involves interpretation of variants in research participants for the purpose of population health screening. Participant phenotype was not available at the time of variant classification. Additional details can be found in publication PMID: 35346344, PMCID: PMC8962531